The following is an entry in ClinVar:

NM_052961.4(SLC26A8):c.378C>T (p.Ile126=)

Gene: SLC26A8 (solute carrier family 26 member 8; minus strand). Cytogenetic location: 6p21.31.
Variant type: single nucleotide variant.
Coding change: c.378C>T on transcript NM_052961.4 (MANE Select); coding-DNA position 378, C replaced by T.
Protein change: p.Ile126=; no amino-acid change (isoleucine 126 retained).
Molecular consequence: synonymous variant.
Genome position (GRCh38, 1-based): chr6:36,000,059, G>A on the plus strand (C>T on the coding strand, the complement: SLC26A8 is on the minus strand). VCF-style: chr6-36000059-G-A. GRCh37 (hg19) VCF-style: chr6-35967836-G-A.
Other names: c.378C>T, p.Ile126= (NM_001193476.2, NM_138718.3); c.378C>T (NM_052961.3).
Identifiers: ClinVar variation 2656512 (VCV002656512.25), dbSNP rs142275991, ClinGen allele CA3775834.

ClinVar aggregate classification (germline): Likely benign. Review status: criteria provided, single submitter (1 of 4 stars). 2 submissions from 2 submitters: Likely benign (1). 1 of the submissions does not count toward it. Last evaluated 2023-04-01.

Conditions:
SLC26A8-related disorder. Also called: SLC26A8-related condition.

Allele frequency attached by ClinVar (database versions not stated): ESP Exome Variant Server 0.00008; ExAC 0.00009; gnomAD exomes 0.00011; TOPMed 0.00011; gnomAD 0.00015.
gnomAD v4.1: 182 of 1,613,966 alleles (0.011%); highest among the groups gnomAD compares: Admixed American, 0.022%; no homozygotes.

Submissions (2):

CeGaT Center for Human Genetics Tuebingen
Classification: Likely benign. Last evaluated: 2023-04-01. Review status: criteria provided, single submitter. Criteria: CeGaT Center For Human Genetics Tuebingen Variant Classification Criteria Version 2. Collection method: clinical testing. Allele origin: germline. Affected: yes. Observed: 1 variant allele.
Comment: SLC26A8: BP4, BP7

PreventionGenetics, part of Exact Sciences
Classification: Likely benign for SLC26A8-related condition. Last evaluated: 2019-03-20. Review status: no assertion criteria provided. Collection method: clinical testing. Allele origin: germline. Not counted in ClinVar's aggregate classification.
Comment: This variant is classified as likely benign based on ACMG/AMP sequence variant interpretation guidelines (Richards et al. 2015 PMID: 25741868, with internal and published modifications).